The following is an entry in ClinVar:

ClinVar aggregate classification (germline): Uncertain significance (1 of 4 stars; one submission).

Conditions:
Nephronophthisis. Also called: Juvenile Nephronophthisis. Identifiers: Orphanet 655, MedGen C0687120, MONDO:0019005, HP:0000090.

Allele frequency attached by ClinVar (database versions not stated): gnomAD exomes below 0.00001.
gnomAD v4.1: 2 of 1,613,574 alleles (0.00012%); highest among the groups gnomAD compares: Non-Finnish European, 0.00017%; no homozygotes.

Submission:

Labcorp Genetics (formerly Invitae), Labcorp
Classification: Uncertain significance for Nephronophthisis. Last evaluated: 2022-01-15. Review status: criteria provided, single submitter. Criteria: Invitae Variant Classification Sherloc (09022015). Collection method: clinical testing. Allele origin: germline.
Comment: This sequence change replaces tryptophan, which is neutral and slightly polar, with arginine, which is basic and polar, at codon 927 of the INVS protein (p.Trp927Arg). This variant is not present in population databases (gnomAD no frequency). This variant has not been reported in the literature in individuals affected with INVS-related conditions. Algorithms developed to predict the effect of missense changes on protein structure and function are either unavailable or do not agree on the potential impact of this missense change (SIFT: "Deleterious"; PolyPhen-2: "Probably Damaging"; Align-GVGD: "Class C0"). In summary, the available evidence is currently insufficient to determine the role of this variant in disease. Therefore, it has been classified as a Variant of Uncertain Significance.

NM_014425.5(INVS):c.2779T>A (p.Trp927Arg)

Gene: INVS (inversin; plus strand). Cytogenetic location: 9q31.1.
Variant type: single nucleotide variant.
Coding change: c.2779T>A on transcript NM_014425.5 (MANE Select); coding-DNA position 2779, T replaced by A.
Protein change: p.Trp927Arg; replaces tryptophan 927 with arginine.
Molecular consequence: missense variant. On other transcripts: non-coding transcript variant (1).
Genome position (GRCh38, 1-based): chr9:100,293,036, T>A. VCF-style: chr9-100293036-T-A. GRCh37 (hg19) VCF-style: chr9-103055318-T-A.
Other names: c.2491T>A, p.Trp831Arg (NM_001318381.2); c.1801T>A, p.Trp601Arg (NM_001318382.2); short protein forms W927R, W601R, W831R.
Identifiers: ClinVar variation 1982565 (VCV001982565.1), dbSNP rs2490119195, ClinGen allele CA374244481.
Genomic context (GRCh38, chr9:100,293,036, plus strand): 5'-CGAAGGAGGAAGGAGCTGTTTCGCAAAAAGAACAAGGCAGCAGCAGTCATCCAGCGCGCC[T>A]GGCGAAGGTAGGAAAATGGGGTGCTGCCGCATCTGTGGTTCTTTGTTACTGATATTCTCA-3'
Protein context (NP_055240.2, residues 917-937): NKAAAVIQRA[Trp927Arg]RSYQLRKHLS